The following is an entry in ClinVar:

ClinVar aggregate classification (germline): Uncertain significance. Review status: criteria provided, multiple submitters, no conflicts (2 of 4 stars). 3 submissions from 3 submitters: Uncertain significance (3). Last evaluated 2024-06-24.

Allele frequency attached by ClinVar (database versions not stated): gnomAD exomes 0.00002 and 0.00007; ExAC 0.00010; TOPMed 0.00020; gnomAD 0.00025 and 0.00026; ESP Exome Variant Server 0.00046.
gnomAD v4.1: 70 of 1,609,444 alleles (0.0043%); highest among the groups gnomAD compares: African/African-American, 0.076%; no homozygotes.

Submissions (3):

Blueprint Genetics
Classification: Uncertain significance. Last evaluated: 2024-06-24. Review status: criteria provided, single submitter. Criteria: ACMG Guidelines, 2015. Collection method: clinical testing. Allele origin: germline.

Labcorp Genetics (formerly Invitae), Labcorp
Classification: Uncertain significance. Last evaluated: 2022-10-18. Review status: criteria provided, single submitter. Criteria: Invitae Variant Classification Sherloc (09022015). Collection method: clinical testing. Allele origin: germline.
Comment: In summary, the available evidence is currently insufficient to determine the role of this variant in disease. Therefore, it has been classified as a Variant of Uncertain Significance. Algorithms developed to predict the effect of missense changes on protein structure and function are either unavailable or do not agree on the potential impact of this missense change (SIFT: "Deleterious"; PolyPhen-2: "Possibly Damaging"; Align-GVGD: "Class C0"). ClinVar contains an entry for this variant (Variation ID: 290820). This variant has not been reported in the literature in individuals affected with SLC26A5-related conditions. This variant is present in population databases (rs202056712, gnomAD 0.08%). This sequence change replaces threonine, which is neutral and polar, with asparagine, which is neutral and polar, at codon 470 of the SLC26A5 protein (p.Thr470Asn).

Eurofins Ntd Llc (ga)
Classification: Uncertain significance. Last evaluated: 2016-09-14. Review status: criteria provided, single submitter. Criteria: EGL Classification Definitions 2015. Collection method: clinical testing. Allele origin: germline. Observed: 2 variant alleles, 2 heterozygotes.

NM_198999.3(SLC26A5):c.1409C>A (p.Thr470Asn)

Gene: SLC26A5 (solute carrier family 26 member 5; minus strand). Cytogenetic location: 7q22.1.
Variant type: single nucleotide variant.
Coding change: c.1409C>A on transcript NM_198999.3 (MANE Select); coding-DNA position 1409, C replaced by A.
Protein change: p.Thr470Asn; replaces threonine 470 with asparagine.
Molecular consequence: missense variant. On other transcripts: non-coding transcript variant (5), intron variant (1).
Genome position (GRCh38, 1-based): chr7:103,389,113, G>T on the plus strand (C>A on the coding strand, the complement: SLC26A5 is on the minus strand). VCF-style: chr7-103389113-G-T. GRCh37 (hg19) VCF-style: chr7-103029560-G-T.
Other names: c.1313C>A, p.Thr438Asn (NM_001167962.2, NM_001321787.2); c.1409C>A, p.Thr470Asn (NM_206883.3, NM_206884.3); c.971+8819C>A (NM_206885.3); short protein forms T470N, T438N.
Identifiers: ClinVar variation 290820 (VCV000290820.9), dbSNP rs202056712, ClinGen allele CA4419510.